The following is an entry in ClinVar:

NM_015662.3(IFT172):c.3244G>A (p.Gly1082Arg)

Gene: IFT172 (intraflagellar transport 172; minus strand). Cytogenetic location: 2p23.3.
Variant type: single nucleotide variant.
Coding change: c.3244G>A on transcript NM_015662.3 (MANE Select); coding-DNA position 3244, G replaced by A.
Protein change: p.Gly1082Arg; replaces glycine 1082 with arginine.
Molecular consequence: missense variant.
Genome position (GRCh38, 1-based): chr2:27,456,638, C>T on the plus strand (G>A on the coding strand, the complement: IFT172 is on the minus strand). VCF-style: chr2-27456638-C-T. GRCh37 (hg19) VCF-style: chr2-27679505-C-T.
Other names: c.3244G>A (NM_015662.1, NM_015662.2); short protein forms G1082R.
Identifiers: ClinVar variation 1490330 (VCV001490330.9), dbSNP rs1008321384, ClinGen allele CA44492828.

ClinVar aggregate classification (germline): Uncertain significance. Review status: criteria provided, multiple submitters, no conflicts (2 of 4 stars). 4 submissions from 4 submitters: Uncertain significance (3). 1 of the submissions does not count toward it. Last evaluated 2024-06-07.

Conditions:
Retinitis pigmentosa 71 (RP71). Identifiers: Orphanet 791, MedGen C4225342, MONDO:0014618, OMIM 616394.
Short-rib thoracic dysplasia 10 with or without polydactyly (SRTD10). Identifiers: Orphanet 474, MedGen C3810175, MONDO:0014284, OMIM 615630.
Inborn genetic diseases. Identifiers: MedGen C0950123, MeSH D030342.
Bardet-Biedl syndrome 20. Identifiers: MedGen C4310707, MONDO:0023670, OMIM 619471, MONDO:0014926.
IFT172-related disorder. Also called: IFT172-related disorders; IFT172-related condition.

Allele frequency attached by ClinVar (database versions not stated): gnomAD 0.00001; TOPMed 0.00001.
gnomAD v4.1: 2 of 1,613,610 alleles (0.00012%); highest among the groups gnomAD compares: African/African-American, 0.0027%; no homozygotes.

Submissions (4):

Ambry Genetics
Classification: Uncertain significance for Inborn genetic diseases. Last evaluated: 2024-06-07. Review status: criteria provided, single submitter. Criteria: Ambry Variant Classification Scheme 2023. Collection method: clinical testing. Allele origin: germline.

Fulgent Genetics
Classification: Uncertain significance for Short-rib thoracic dysplasia 10 with or without polydactyly; Retinitis pigmentosa 71; Bardet-Biedl syndrome 20. Last evaluated: 2024-04-26. Review status: criteria provided, single submitter. Criteria: ACMG Guidelines, 2015. Collection method: clinical testing. Allele origin: germline.

Labcorp Genetics (formerly Invitae), Labcorp
Classification: Uncertain significance for Retinitis pigmentosa 71; Short-rib thoracic dysplasia 10 with or without polydactyly. Last evaluated: 2021-08-31. Review status: criteria provided, single submitter. Criteria: Invitae Variant Classification Sherloc (09022015). Collection method: clinical testing. Allele origin: germline.
Comment: This sequence change replaces glycine with arginine at codon 1082 of the IFT172 protein (p.Gly1082Arg). The glycine residue is highly conserved and there is a moderate physicochemical difference between glycine and arginine. This variant is not present in population databases (ExAC no frequency). This variant has not been reported in the literature in individuals affected with IFT172-related conditions. Algorithms developed to predict the effect of missense changes on protein structure and function are either unavailable or do not agree on the potential impact of this missense change (SIFT: "Deleterious"; PolyPhen-2: "Probably Damaging"; Align-GVGD: "Class C15"). In summary, the available evidence is currently insufficient to determine the role of this variant in disease. Therefore, it has been classified as a Variant of Uncertain Significance.

PreventionGenetics, part of Exact Sciences
Classification: Uncertain significance for IFT172-related condition. Last evaluated: 2024-03-11. Review status: no assertion criteria provided. Collection method: clinical testing. Allele origin: germline. Not counted in ClinVar's aggregate classification.
Comment: The IFT172 c.3244G>A variant is predicted to result in the amino acid substitution p.Gly1082Arg. To our knowledge, this variant has not been reported in the literature. This variant is reported in 0.011% of alleles in individuals of African descent in gnomAD. At this time, the clinical significance of this variant is uncertain due to the absence of conclusive functional and genetic evidence.